The following is an entry in ClinVar:

ClinVar aggregate classification (germline): Pathogenic/Likely pathogenic. Review status: criteria provided, multiple submitters, no conflicts (2 of 4 stars). 2 submissions from 2 submitters: Pathogenic (1); Likely pathogenic (1). Last evaluated 2025-11-30.

Conditions:
CNGA1-related disorder. Also called: CNGA1-related condition.

Submissions (2):

Labcorp Genetics (formerly Invitae), Labcorp
Classification: Pathogenic. Last evaluated: 2025-11-30. Review status: criteria provided, single submitter. Criteria: Invitae Variant Classification Sherloc (09022015). Collection method: clinical testing. Allele origin: germline.
Comment: This sequence change creates a premature translational stop signal (p.Gln245*) in the CNGA1 gene. While this is not anticipated to result in nonsense mediated decay, it is expected to disrupt the last 446 amino acid(s) of the CNGA1 protein. This variant is present in population databases (rs748902647, gnomAD 0.008%). This variant has not been reported in the literature in individuals affected with CNGA1-related conditions. ClinVar contains an entry for this variant (Variation ID: 1073339). This variant disrupts a region of the CNGA1 protein in which other variant(s) (p.Arg658Aspfs*2) have been determined to be pathogenic (PMID: 7479749, 24265693). This suggests that this is a clinically significant region of the protein, and that variants that disrupt it are likely to be disease-causing. For these reasons, this variant has been classified as Pathogenic.

Blueprint Genetics
Classification: Likely pathogenic for CNGA1-related disorders. Last evaluated: 2019-07-17. Review status: criteria provided, single submitter. Criteria: ACMG Guidelines, 2015. Collection method: clinical testing. Allele origin: germline. Affected: yes. Observed: 1 variant allele.

Literature cited by the submitters: PubMed 7479749 (cited by Labcorp Genetics (formerly Invitae), Labcorp); PubMed 24265693 (cited by Labcorp Genetics (formerly Invitae), Labcorp).

NM_001379270.1(CNGA1):c.721C>T (p.Gln241Ter)

Genes: CNGA1 (cyclic nucleotide gated channel subunit alpha 1; minus strand), LOC101927157 (uncharacterized LOC101927157; plus strand). Cytogenetic location: 4p12.
Variant type: single nucleotide variant.
Coding change: c.721C>T on transcript NM_001379270.1 (MANE Select); coding-DNA position 721, C replaced by T.
Protein change: p.Gln241Ter; replaces glutamine 241 with a stop codon.
Molecular consequence: nonsense.
Genome position (GRCh38, 1-based): chr4:47,937,761, G>A on the plus strand (C>T on the coding strand, the complement: CNGA1 is on the minus strand). VCF-style: chr4-47937761-G-A. GRCh37 (hg19) VCF-style: chr4-47939778-G-A.
Other names: c.721C>T, p.Gln241Ter (NM_000087.5, NM_001142564.2); short protein forms Q241*.
Identifiers: ClinVar variation 1073339 (VCV001073339.10), dbSNP rs748902647, ClinGen allele CA2911200.
Genomic context (GRCh38, chr4:47,937,761, plus strand): 5'-ACCCTAACTTAAAATACAGCAAATCAGTTGGTATCAGTGACAGAACATCAAGTTTAAATT[G>A]CAAGTTGGATTTATATTTATTTATGAGTTTAAGTTCTTCCTTTACCAGCAGTCCTTGTTC-3'